The following is an entry in ClinVar:

NM_001370100.5(ZMYND11):c.358C>T (p.Arg120Cys)

Gene: ZMYND11 (zinc finger MYND-type containing 11; plus strand). Cytogenetic location: 10p15.3.
Variant type: single nucleotide variant.
Coding change: c.358C>T on transcript NM_001370100.5 (MANE Select); coding-DNA position 358, C replaced by T.
Protein change: p.Arg120Cys; replaces arginine 120 with cysteine.
Molecular consequence: missense variant. On other transcripts: non-coding transcript variant (1), intron variant (18).
Genome position (GRCh38, 1-based): chr10:221,276, C>T. VCF-style: chr10-221276-C-T. GRCh37 (hg19) VCF-style: chr10-267216-C-T.
Other names: c.358C>T, p.Arg120Cys (NM_001161482.1, NM_001202468.1, NM_001370097.3 and 11 more transcripts); c.307C>T, p.Arg103Cys (NM_001330057.3, NM_001370112.2); c.292C>T, p.Arg98Cys (NM_001370116.2); c.238C>T, p.Arg80Cys (NM_001370118.2); c.276+11228C>T (NM_001370103.2, NM_001370104.2, NM_001370105.2 and 11 more transcripts); c.210+11228C>T (NM_001370120.2); c.-33-15562C>T (NM_001370124.3); c.225+11228C>T (NM_001370123.2); and 1 more; short protein forms R103C, R120C, R80C, R98C.
Identifiers: ClinVar variation 2720047 (VCV002720047.3), dbSNP rs2539524578, ClinGen allele CA375842892.
Genomic context (GRCh38, chr10:221,276, plus strand): 5'-GACTGGTATTGTTTTGAATGCCATTTGCCTGGAGAGGTGTTGATATGTGACCTGTGTTTT[C>T]GTGTGTATCATTCCAAGTGTTTGTCTGATGAGTTCAGGCTTAGAGACAGCAGTAGTCCCT-3'
Protein context (NP_001357029.1, residues 110-130): GEVLICDLCF[Arg120Cys]VYHSKCLSDE

ClinVar aggregate classification (germline): Uncertain significance (1 of 4 stars; one submission).

Allele frequency attached by ClinVar (database versions not stated): gnomAD exomes below 0.00001.
gnomAD v4.1: 1 of 1,613,870 alleles (0.000062%); highest among the groups gnomAD compares: South Asian, 0.0011%; no homozygotes.

Submission:

Labcorp Genetics (formerly Invitae), Labcorp
Classification: Uncertain significance. Last evaluated: 2023-06-27. Review status: criteria provided, single submitter. Criteria: Invitae Variant Classification Sherloc (09022015). Collection method: clinical testing. Allele origin: germline.
Comment: Advanced modeling of protein sequence and biophysical properties (such as structural, functional, and spatial information, amino acid conservation, physicochemical variation, residue mobility, and thermodynamic stability) performed at Invitae indicates that this missense variant is expected to disrupt ZMYND11 protein function. This sequence change replaces arginine, which is basic and polar, with cysteine, which is neutral and slightly polar, at codon 120 of the ZMYND11 protein (p.Arg120Cys). This variant is not present in population databases (gnomAD no frequency). This variant has not been reported in the literature in individuals affected with ZMYND11-related conditions. Algorithms developed to predict the effect of sequence changes on RNA splicing suggest that this variant may disrupt the consensus splice site. In summary, the available evidence is currently insufficient to determine the role of this variant in disease. Therefore, it has been classified as a Variant of Uncertain Significance.